The following is an entry in ClinVar:

ClinVar aggregate classification (germline): Uncertain significance. Review status: criteria provided, multiple submitters, no conflicts (2 of 4 stars). 2 submissions from 2 submitters: Uncertain significance (2). Last evaluated 2024-05-29.

Conditions:
Inborn genetic diseases. Identifiers: MedGen C0950123, MeSH D030342.

Allele frequency attached by ClinVar (database versions not stated): ExAC 0.00001; gnomAD exomes 0.00001.

Submissions (2):

Labcorp Genetics (formerly Invitae), Labcorp
Classification: Uncertain significance. Last evaluated: 2024-05-29. Review status: criteria provided, single submitter. Criteria: Invitae Variant Classification Sherloc (09022015). Collection method: clinical testing. Allele origin: germline.
Comment: This sequence change replaces methionine, which is neutral and non-polar, with valine, which is neutral and non-polar, at codon 1193 of the CDK5RAP2 protein (p.Met1193Val). This variant is present in population databases (rs776749869, gnomAD 0.006%). This variant has not been reported in the literature in individuals affected with CDK5RAP2-related conditions. Algorithms developed to predict the effect of missense changes on protein structure and function output the following: SIFT: "Not Available"; PolyPhen-2: "Benign"; Align-GVGD: "Not Available". The valine amino acid residue is found in multiple mammalian species, which suggests that this missense change does not adversely affect protein function. In summary, the available evidence is currently insufficient to determine the role of this variant in disease. Therefore, it has been classified as a Variant of Uncertain Significance.

Ambry Genetics
Classification: Uncertain significance for Inborn genetic diseases. Last evaluated: 2023-11-29. Review status: criteria provided, single submitter. Criteria: Ambry Variant Classification Scheme 2023. Collection method: clinical testing. Allele origin: germline.

NM_018249.6(CDK5RAP2):c.3577A>G (p.Met1193Val)

Gene: CDK5RAP2 (CDK5 regulatory subunit associated protein 2; minus strand). Cytogenetic location: 9q33.2.
Variant type: single nucleotide variant.
Coding change: c.3577A>G on transcript NM_018249.6 (MANE Select); coding-DNA position 3577, A replaced by G.
Protein change: p.Met1193Val; replaces methionine 1193 with valine.
Molecular consequence: missense variant. On other transcripts: non-coding transcript variant (5).
Genome position (GRCh38, 1-based): chr9:120,439,544, T>C on the plus strand (A>G on the coding strand, the complement: CDK5RAP2 is on the minus strand). VCF-style: chr9-120439544-T-C. GRCh37 (hg19) VCF-style: chr9-123201822-T-C.
Other names: c.3577A>G, p.Met1193Val (NM_001011649.3); c.2887A>G, p.Met963Val (NM_001272039.2); c.3478A>G, p.Met1160Val (NM_001410992.1); c.3481A>G, p.Met1161Val (NM_001410993.1); c.3574A>G, p.Met1192Val (NM_001410994.1); short protein forms M1192V, M1160V, M963V, M1161V, M1193V.
Identifiers: ClinVar variation 3141582 (VCV003141582.3), dbSNP rs776749869, ClinGen allele CA5213808.